The following is an entry in ClinVar:

NM_005465.7(AKT3):c.840C>T (p.Asp280=)

Gene: AKT3 (AKT serine/threonine kinase 3; minus strand). Cytogenetic location: 1q44.
Variant type: single nucleotide variant.
Coding change: c.840C>T on transcript NM_005465.7 (MANE Select); coding-DNA position 840, C replaced by T.
Protein change: p.Asp280=; no amino-acid change (aspartic acid 280 retained).
Molecular consequence: synonymous variant.
Genome position (GRCh38, 1-based): chr1:243,563,828, G>A on the plus strand (C>T on the coding strand, the complement: AKT3 is on the minus strand). VCF-style: chr1-243563828-G-A. GRCh37 (hg19) VCF-style: chr1-243727130-G-A.
Other names: c.840C>T, p.Asp280= (NM_001206729.2, NM_001370074.1, NM_181690.2).
Identifiers: ClinVar variation 475214 (VCV000475214.13), dbSNP rs201347487, ClinGen allele CA1484002.

ClinVar aggregate classification (germline): Likely benign. Review status: criteria provided, multiple submitters, no conflicts (2 of 4 stars). 2 submissions from 2 submitters: Likely benign (2). Last evaluated 2026-08-01.

Conditions:
Megalencephaly-polymicrogyria-polydactyly-hydrocephalus syndrome 2 (MPPH2). Also called: MEGALENCEPHALY-POLYMICROGYRIA-POLYDACTYLY-HYDROCEPHALUS SYNDROME 2, SOMATIC. Identifiers: Orphanet 83473, MedGen C4014738, MONDO:0014407, OMIM 615937.

Allele frequency attached by ClinVar (database versions not stated): ExAC 0.00006; gnomAD 0.00006 and 0.00007; gnomAD exomes 0.00008; TOPMed 0.00011; 1000 Genomes Project 0.00040; 1000 Genomes Project 30x 0.00062.
gnomAD v4.1: 127 of 1,612,176 alleles (0.0079%); highest among the groups gnomAD compares: Middle Eastern, 0.083%; 1 homozygote.

Submissions (2):

CeGaT Center for Human Genetics Tuebingen
Classification: Likely benign. Last evaluated: 2026-08-01. Review status: criteria provided, single submitter. Criteria: CeGaT Center For Human Genetics Tuebingen Variant Classification Criteria Version 2. Collection method: clinical testing. Allele origin: germline. Affected: yes. Observed: 2 variant alleles.
Comment: AKT3: BP4, BP7

Labcorp Genetics (formerly Invitae), Labcorp
Classification: Likely benign for Megalencephaly-polymicrogyria-polydactyly-hydrocephalus syndrome 2. Last evaluated: 2024-09-09. Review status: criteria provided, single submitter. Criteria: Invitae Variant Classification Sherloc (09022015). Collection method: clinical testing. Allele origin: germline.